The following is an entry in ClinVar:

ClinVar aggregate classification (germline): Likely benign (1 of 4 stars; one submission).

gnomAD v4.1: 3 of 1,613,810 alleles (0.00019%); highest among the groups gnomAD compares: Non-Finnish European, 0.00025%; no homozygotes.

Submission:

CeGaT Center for Human Genetics Tuebingen
Classification: Likely benign. Last evaluated: 2022-09-01. Review status: criteria provided, single submitter. Criteria: CeGaT Center For Human Genetics Tuebingen Variant Classification Criteria Version 2. Collection method: clinical testing. Allele origin: germline. Affected: yes. Observed: 1 variant allele.
Comment: TUBB4A: BP4, BP7

NM_006087.4(TUBB4A):c.1287G>C (p.Thr429=)

Gene: TUBB4A (tubulin beta 4A class IVa; minus strand). Cytogenetic location: 19p13.3.
Variant type: single nucleotide variant.
Coding change: c.1287G>C on transcript NM_006087.4 (MANE Select); coding-DNA position 1287, G replaced by C.
Protein change: p.Thr429=; no amino-acid change (threonine 429 retained).
Molecular consequence: synonymous variant.
Genome position (GRCh38, 1-based): chr19:6,495,212, C>G on the plus strand (G>C on the coding strand, the complement: TUBB4A is on the minus strand). VCF-style: chr19-6495212-C-G. GRCh37 (hg19) VCF-style: chr19-6495223-C-G.
Other names: c.1440G>C, p.Thr480= (NM_001289123.2); c.1422G>C, p.Thr474= (NM_001289127.2); c.1287G>C, p.Thr429= (NM_001289129.2); c.1071G>C, p.Thr357= (NM_001289130.2, NM_001289131.2).
Identifiers: ClinVar variation 2649137 (VCV002649137.24), dbSNP rs61731566, ClinGen allele CA505189054.